The following is an entry in ClinVar:

ClinVar aggregate classification (germline): Uncertain significance (1 of 4 stars; one submission).

Conditions:
Cardiomyopathy (CMYO). Also called: Cardiomyopathies. Identifiers: Orphanet 167848, MedGen C0878544, MONDO:0004994, HP:0001638. Inheritance: Various modes of inheritance.

Submission:

All of Us Research Program, National Institutes of Health
Classification: Uncertain significance for Cardiomyopathy. Last evaluated: 2023-11-30. Review status: criteria provided, single submitter. Criteria: ACMG Guidelines, 2015. Collection method: clinical testing. Allele origin: germline. Inheritance: Autosomal dominant inheritance. Observed: 1 variant allele, 1 heterozygote.
Comment: This study involves interpretation of variants in research participants for the purpose of population health screening. Participant phenotype was not available at the time of variant classification. Additional details can be found in publication PMID: 35346344, PMCID: PMC8962531

NM_000257.4(MYH7):c.2408del (p.Lys803fs)

Genes: MYH7 (myosin heavy chain 7; minus strand), LOC126861898 (BRD4-independent group 4 enhancer GRCh37_chr14:23893609-23894808; plus strand). Cytogenetic location: 14q11.2.
Variant type: Deletion.
Coding change: c.2408del on transcript NM_000257.4 (MANE Select); coding-DNA position 2408, one base deleted (A; older notation c.2408delA).
Protein change: p.Lys803fs; shifts the reading frame from lysine 803.
Molecular consequence: frameshift variant.
Genome position (GRCh38, 1-based): chr14:23,425,297, T deleted on the plus strand (A on the coding strand, the reverse complement: MYH7 is on the minus strand); the first of 5 consecutive T bases (chr14:23,425,297-23,425,301); deleting any one gives the same sequence. VCF-style (leftmost placement, unchanged base first): chr14-23425296-CT-C. GRCh37 (hg19) VCF-style: chr14-23894505-CT-C.
Other names: c.2408del, p.Lys803fs (NM_001407004.1); short protein forms K803fs.
Identifiers: ClinVar variation 3073927 (VCV003073927.1), dbSNP rs2502285631, ClinGen allele CA2575486613.